The following is an entry in ClinVar:

ClinVar aggregate classification (germline): Uncertain significance (1 of 4 stars; one submission).

Submission:

Labcorp Genetics (formerly Invitae), Labcorp
Classification: Uncertain significance. Last evaluated: 2021-09-15. Review status: criteria provided, single submitter. Criteria: Invitae Variant Classification Sherloc (09022015). Collection method: clinical testing. Allele origin: germline.
Comment: This sequence change replaces leucine with valine at codon 3830 of the USH2A protein (p.Leu3830Val). The leucine residue is moderately conserved and there is a small physicochemical difference between leucine and valine. This variant is not present in population databases (ExAC no frequency). This variant has not been reported in the literature in individuals affected with USH2A-related conditions. Algorithms developed to predict the effect of missense changes on protein structure and function output the following: SIFT: "Tolerated"; PolyPhen-2: "Benign"; Align-GVGD: "Class C0". The valine amino acid residue is found in multiple mammalian species, which suggests that this missense change does not adversely affect protein function. In summary, the available evidence is currently insufficient to determine the role of this variant in disease. Therefore, it has been classified as a Variant of Uncertain Significance.

NM_206933.4(USH2A):c.11488C>G (p.Leu3830Val)

Gene: USH2A (usherin; minus strand). Cytogenetic location: 1q41.
Variant type: single nucleotide variant.
Coding change: c.11488C>G on transcript NM_206933.4 (MANE Select); coding-DNA position 11488, C replaced by G.
Protein change: p.Leu3830Val; replaces leucine 3830 with valine.
Molecular consequence: missense variant.
Genome position (GRCh38, 1-based): chr1:215,743,237, G>C on the plus strand (C>G on the coding strand, the complement: USH2A is on the minus strand). VCF-style: chr1-215743237-G-C. GRCh37 (hg19) VCF-style: chr1-215916579-G-C.
Other names: short protein forms L3830V.
Identifiers: ClinVar variation 1507934 (VCV001507934.3), dbSNP rs2102727434, ClinGen allele CA344834880.